The following is an entry in ClinVar:

ClinVar aggregate classification (germline): Uncertain significance. Review status: criteria provided, multiple submitters, no conflicts (2 of 4 stars). 3 submissions from 3 submitters: Uncertain significance (3). Last evaluated 2026-04-14.

Conditions:
COL4A5-related disorder. Also called: COL4A5-related condition.
Inborn genetic diseases. Identifiers: MedGen C0950123, MeSH D030342.

Allele frequency attached by ClinVar (database versions not stated): gnomAD 0.00001; gnomAD exomes 0.00001; TOPMed 0.00005.
gnomAD v4.1: 12 of 1,200,657 alleles (0.001%); highest among the groups gnomAD compares: Admixed American, 0.024%; no homozygotes.

Submissions (3):

PreventionGenetics, part of Exact Sciences
Classification: Uncertain significance for COL4A5-related condition. Last evaluated: 2026-04-14. Review status: criteria provided, single submitter. Criteria: ACMG Guidelines, 2015. Collection method: clinical testing. Allele origin: germline.
Comment: The COL4A5 c.3457G>C variant is predicted to result in the amino acid substitution p.Gly1153Arg. To our knowledge, this variant has not been reported in the literature. This variant is reported in 0.023% of alleles in individuals of Latino descent in gnomAD. Although we suspect that this variant may be benign, at this time, the clinical significance of this variant is uncertain due to the absence of conclusive functional and genetic evidence.

Ambry Genetics
Classification: Uncertain significance for Inborn genetic diseases. Last evaluated: 2023-08-02. Review status: criteria provided, single submitter. Criteria: Ambry Variant Classification Scheme 2023. Collection method: clinical testing. Allele origin: germline.

GeneDx
Classification: Uncertain significance. Last evaluated: 2022-06-13. Review status: criteria provided, single submitter. Criteria: GeneDx Variant Classification Process June 2021. Collection method: clinical testing. Allele origin: germline. Affected: yes.
Comment: In silico analysis supports that this missense variant does not alter protein structure/function; Occurs in the triple helical domain at the X position in the canonical Gly-X-Y repeat; although this variant may have an effect on normal protein folding and function, missense substitution at the X position is not a common mechanism of disease; Has not been previously published as pathogenic or benign to our knowledge

NM_033380.3(COL4A5):c.3457G>C (p.Gly1153Arg)

Gene: COL4A5 (collagen type IV alpha 5 chain; plus strand). Cytogenetic location: Xq22.3.
Variant type: single nucleotide variant.
Coding change: c.3457G>C on transcript NM_033380.3 (MANE Select); coding-DNA position 3457, G replaced by C.
Protein change: p.Gly1153Arg; replaces glycine 1153 with arginine.
Molecular consequence: missense variant.
Genome position (GRCh38, 1-based): chrX:108,666,498, G>C. VCF-style: chrX-108666498-G-C. GRCh37 (hg19) VCF-style: chrX-107909728-G-C.
Other names: c.3457G>C (NM_000495.3, NM_000495.4); c.3457G>C, p.Gly1153Arg (NM_000495.5); short protein forms G1153R.
Identifiers: ClinVar variation 1804205 (VCV001804205.4), dbSNP rs945328912, ClinGen allele CA334045617.
Genomic context (GRCh38, chrX:108,666,498, plus strand): 5'-GTAAAAGGGAGTTGGAAATTGGAAAACTGGGTGTAACCTGCTGTACTCAATTTTTTAGGT[G>C]GTGGAGGTCATCCTGGGCAACCAGGGCCTCCAGGCGAAAAAGGCAAACCCGGTCAAGATG-3'
Protein context (NP_203699.1, residues 1143-1163): GLPGEPGPVG[Gly1153Arg]GGHPGQPGPP